The following is an entry in ClinVar:

NM_014415.4(ZBTB11):c.*10_*13del

Gene: ZBTB11 (zinc finger and BTB domain containing 11; minus strand). Cytogenetic location: 3q12.3.
Variant type: Deletion.
Coding change: c.*10_*13del on transcript NM_014415.4 (MANE Select); 10 bases downstream of the stop codon through 13 bases downstream of the stop codon, 4 bases deleted (TGAA; older notation c.*10_*13delTGAA).
Molecular consequence: 3 prime UTR variant.
Genome position (GRCh38, 1-based): chr3:101,651,153-101,651,156, TTCA deleted on the plus strand (TGAA on the coding strand, the reverse complement: ZBTB11 is on the minus strand); deleting any 4 consecutive bases within chr3:101,651,153-101,651,158 gives the same sequence; the c. name uses the placement nearest the transcript's 3' end. VCF-style (leftmost placement, unchanged base first): chr3-101651152-CTTCA-C. GRCh37 (hg19) VCF-style: chr3-101369996-CTTCA-C.
Identifiers: ClinVar variation 3043173 (VCV003043173.2), dbSNP rs752280193, ClinGen allele CA2520802.

ClinVar aggregate classification (germline): Likely benign (0 of 4 stars; one submission).

Conditions:
ZBTB11-related disorder. Also called: ZBTB11-related condition.

Submission:

PreventionGenetics, part of Exact Sciences
Classification: Likely benign for ZBTB11-related condition. Last evaluated: 2019-06-21. Review status: no assertion criteria provided. Collection method: clinical testing. Allele origin: germline.
Comment: This variant is classified as likely benign based on ACMG/AMP sequence variant interpretation guidelines (Richards et al. 2015 PMID: 25741868, with internal and published modifications).